The following is an entry in ClinVar:

NM_016507.4(CDK12):c.103C>G (p.Arg35Gly)

Genes: CDK12 (cyclin dependent kinase 12; plus strand), LOC126862553 (CDK7 strongly-dependent group 2 enhancer GRCh37_chr17:37618166-37619365; plus strand). Cytogenetic location: 17q12.
Variant type: single nucleotide variant.
Coding change: c.103C>G on transcript NM_016507.4 (MANE Select); coding-DNA position 103, C replaced by G.
Protein change: p.Arg35Gly; replaces arginine 35 with glycine.
Molecular consequence: missense variant.
Genome position (GRCh38, 1-based): chr17:39,462,174, C>G. VCF-style: chr17-39462174-C-G. GRCh37 (hg19) VCF-style: chr17-37618427-C-G.
Other names: c.103C>G, p.Arg35Gly (NM_015083.4); short protein forms R35G.
Identifiers: ClinVar variation 4825969 (VCV004825969.1).
Genomic context (GRCh38, chr17:39,462,174, plus strand): 5'-GGAGGAGCTTCTGGAACTTTGCAGCCGTCATCGGGAGGCGGCAGCTCTAACAGCAGAGAG[C>G]GTCACCGCTTGGTATCGAAGCACAAGCGGCATAAGTCCAAACACTCCAAAGACATGGGGT-3'
Protein context (NP_057591.2, residues 25-45): SGGGSSNSRE[Arg35Gly]HRLVSKHKRH

ClinVar aggregate classification (germline): Uncertain significance (1 of 4 stars; one submission).

Submission:

Ambry Genetics
Classification: Uncertain significance. Last evaluated: 2026-03-14. Review status: criteria provided, single submitter. Criteria: Ambry Variant Classification Scheme 2023. Collection method: clinical testing. Allele origin: germline.
Comment: The p.R35G variant (also known as c.103C>G), located in coding exon 1 of the CDK12 gene, results from a C to G substitution at nucleotide position 103. The arginine at codon 35 is replaced by glycine, an amino acid with dissimilar properties. This amino acid position is conserved. In addition, this alteration is predicted to be tolerated by in silico analysis. Based on the available evidence, the clinical significance of this variant remains unclear.